The following is an entry in ClinVar:

NM_003235.5(TG):c.3417G>C (p.Ser1139=)

Gene: TG (thyroglobulin; plus strand). Cytogenetic location: 8q24.22.
Variant type: single nucleotide variant.
Coding change: c.3417G>C on transcript NM_003235.5 (MANE Select); coding-DNA position 3417, G replaced by C.
Protein change: p.Ser1139=; no amino-acid change (serine 1139 retained).
Molecular consequence: synonymous variant.
Genome position (GRCh38, 1-based): chr8:132,900,323, G>C. VCF-style: chr8-132900323-G-C. GRCh37 (hg19) VCF-style: chr8-133912568-G-C.
Identifiers: ClinVar variation 714093 (VCV000714093.14), dbSNP rs115789271, ClinGen allele CA4883748.
Genomic context (GRCh38, chr8:132,900,323, plus strand): 5'-ATCGGGGGCTGGCACCTGGTGTGTGGACCCTGCATCAGGAGAAGAGTTGCGGCCTGGCTC[G>C]AGCAGCAGTGCCCAGTGTGAGTAGCAGCCCCTCCTGGCATGGCTTCTCACCTCTTCTGTG-3'
Protein context (NP_003226.4, residues 1129-1149): PASGEELRPG[Ser1139=]SSSAQCPSLC

ClinVar aggregate classification (germline): Likely benign. Review status: criteria provided, multiple submitters, no conflicts (2 of 4 stars). 3 submissions from 3 submitters: Likely benign (3). Last evaluated 2026-01-11.

Allele frequency attached by ClinVar (database versions not stated): gnomAD 0.00006; gnomAD exomes 0.00007; TOPMed 0.00011; 1000 Genomes Project 30x 0.00031.
gnomAD v4.1: 163 of 1,612,726 alleles (0.01%); highest among the groups gnomAD compares: Non-Finnish European, 0.013%; no homozygotes.

Submissions (3):

Labcorp Genetics (formerly Invitae), Labcorp
Classification: Likely benign. Last evaluated: 2026-01-11. Review status: criteria provided, single submitter. Criteria: Invitae Variant Classification Sherloc (09022015). Collection method: clinical testing. Allele origin: germline.

CeGaT Center for Human Genetics Tuebingen
Classification: Likely benign. Last evaluated: 2025-09-01. Review status: criteria provided, single submitter. Criteria: CeGaT Center For Human Genetics Tuebingen Variant Classification Criteria Version 2. Collection method: clinical testing. Allele origin: germline. Affected: yes. Observed: 1 variant allele.
Comment: TG: BP4, BP7

Blueprint Genetics
Classification: Likely benign. Last evaluated: 2024-09-02. Review status: criteria provided, single submitter. Criteria: ACMG Guidelines, 2015. Collection method: clinical testing. Allele origin: germline.